The following is an entry in ClinVar:

NM_004304.5(ALK):c.3217C>G (p.Leu1073Val)

Gene: ALK (ALK receptor tyrosine kinase; minus strand). Cytogenetic location: 2p23.2.
Variant type: single nucleotide variant.
Coding change: c.3217C>G on transcript NM_004304.5 (MANE Select); coding-DNA position 3217, C replaced by G.
Protein change: p.Leu1073Val; replaces leucine 1073 with valine.
Molecular consequence: missense variant.
Genome position (GRCh38, 1-based): chr2:29,223,484, G>C on the plus strand (C>G on the coding strand, the complement: ALK is on the minus strand). VCF-style: chr2-29223484-G-C. GRCh37 (hg19) VCF-style: chr2-29446350-G-C.
Other names: c.13C>G, p.Leu5Val (NM_001353765.2); short protein forms L1073V, L5V.
Identifiers: ClinVar variation 3285458 (VCV003285458.1).

ClinVar aggregate classification (germline): Uncertain significance (1 of 4 stars; one submission).

Conditions:
Hereditary cancer-predisposing syndrome. Also called: Tumor predisposition; Hereditary Cancer Syndrome; Hereditary neoplastic syndrome; Neoplastic Syndromes, Hereditary. Identifiers: Orphanet 140162, MedGen C0027672, MeSH D009386, MONDO:0015356.

gnomAD v4.1: 1 of 1,614,028 alleles (0.000062%); highest among the groups gnomAD compares: African/African-American, 0.0013%; no homozygotes.

Submission:

Ambry Genetics
Classification: Uncertain significance for Hereditary cancer-predisposing syndrome. Last evaluated: 2024-03-23. Review status: criteria provided, single submitter. Criteria: Ambry Variant Classification Scheme 2023. Collection method: clinical testing. Allele origin: germline.
Comment: The p.L1073V variant (also known as c.3217C>G), located in coding exon 20 of the ALK gene, results from a C to G substitution at nucleotide position 3217. The leucine at codon 1073 is replaced by valine, an amino acid with highly similar properties. This amino acid position is conserved. In addition, this alteration is predicted to be tolerated by in silico analysis. Based on the available evidence, the clinical significance of this alteration remains unclear.